The following is an entry in ClinVar:

NM_005188.4(CBL):c.1244G>T (p.Gly415Val)

Gene: CBL (Cbl proto-oncogene; plus strand). Cytogenetic location: 11q23.3.
Variant type: single nucleotide variant.
Coding change: c.1244G>T on transcript NM_005188.4 (MANE Select); coding-DNA position 1244, G replaced by T.
Protein change: p.Gly415Val; replaces glycine 415 with valine.
Molecular consequence: missense variant.
Genome position (GRCh38, 1-based): chr11:119,278,526, G>T. VCF-style: chr11-119278526-G-T. GRCh37 (hg19) VCF-style: chr11-119149236-G-T.
Other names: short protein forms G415V.
Identifiers: ClinVar variation 1329019 (VCV001329019.1), dbSNP rs1388592245, ClinGen allele CA382913754.
Genomic context (GRCh38, chr11:119,278,526, plus strand): 5'-GTATTTTCAGATGCATCTGTTACTATCTTTTGCTTCTTCTGCAGGAATCAGAAGGTCAGG[G>T]CTGTCCTTTCTGCCGATGTGAAATTAAAGGTACTGAACCCATCGTGGTAGATCCGTTTGA-3'
Protein context (NP_005179.2, residues 405-425): LTSWQESEGQ[Gly415Val]CPFCRCEIKG

ClinVar aggregate classification (germline): Uncertain significance (1 of 4 stars; one submission).

Allele frequency attached by ClinVar (database versions not stated): gnomAD exomes below 0.00001; TOPMed below 0.00001; gnomAD 0.00001.
gnomAD v4.1: 2 of 1,613,886 alleles (0.00012%); highest among the groups gnomAD compares: African/African-American, 0.0013%; no homozygotes.

Submission:

Women's Health and Genetics/Laboratory Corporation of America, LabCorp
Classification: Uncertain significance. Last evaluated: 2021-11-29. Review status: criteria provided, single submitter. Criteria: LabCorp Variant Classification Summary - May 2015. Collection method: clinical testing. Allele origin: germline.
Comment: Variant summary: CBL c.1244G>T (p.Gly415Val) results in a non-conservative amino acid change located in the E3 ubiquitin-protein ligase CBL-B, RING finger, HC subclass domain of the encoded protein sequence. Four of five in-silico tools predict a damaging effect of the variant on protein function. The variant was absent in 251394 control chromosomes. The available data on variant occurrences in the general population are insufficient to allow any conclusion about variant significance. To our knowledge, no occurrence of c.1244G>T in individuals affected with Noonan Syndrome And Related Conditions and no experimental evidence demonstrating its impact on protein function have been reported. No clinical diagnostic laboratories have submitted clinical-significance assessments for this variant to ClinVar after 2014. Based on the evidence outlined above, the variant was classified as uncertain significance.

Literature cited by the submitters: PubMed 25224413; PubMed 21828135; PubMed 23690417; PubMed 19387008; PubMed 19901108; PubMed 20951944; PubMed 19620960; PubMed 22733026; PubMed 29296819; PubMed 27069254.